The following is an entry in ClinVar:

NM_016219.5(MAN1B1):c.1254+800_1254+803del

Gene: MAN1B1 (mannosidase alpha class 1B member 1; plus strand). Cytogenetic location: 9q34.3.
Variant type: Microsatellite.
Coding change: c.1254+800_1254+803del on transcript NM_016219.5 (MANE Select); bases 800 to 803 of the intron after coding-DNA position 1254, 4 bases deleted (CACA; older notation c.1254+800_1254+803delCACA).
Molecular consequence: intron variant.
Genome position (GRCh38, 1-based): chr9:137,102,472-137,102,475, CACA deleted; deleting any 4 consecutive bases within chr9:137,102,469-137,102,475 gives the same sequence; the c. name uses the placement nearest the transcript's 3' end. VCF-style (leftmost placement, unchanged base first): chr9-137102468-TACAC-T. GRCh37 (hg19) VCF-style: chr9-139996920-TACAC-T.
Identifiers: ClinVar variation 2659802 (VCV002659802.24), dbSNP rs754530100, ClinGen allele CA201693680.

ClinVar aggregate classification (germline): Likely benign (1 of 4 stars; one submission).

Submission:

CeGaT Center for Human Genetics Tuebingen
Classification: Likely benign. Last evaluated: 2023-06-01. Review status: criteria provided, single submitter. Criteria: CeGaT Center For Human Genetics Tuebingen Variant Classification Criteria Version 2. Collection method: clinical testing. Allele origin: germline. Affected: yes. Observed: 6 variant alleles.
Comment: MAN1B1: BS2